The following is an entry in ClinVar:

ClinVar aggregate classification (germline): Uncertain significance (1 of 4 stars; one submission).

Allele frequency attached by ClinVar (database versions not stated): gnomAD exomes 0.00001; gnomAD 0.00021; TOPMed 0.00032.
gnomAD v4.1: 50 of 1,611,582 alleles (0.0031%); highest among the groups gnomAD compares: Admixed American, 0.08%; no homozygotes.

Submission:

Labcorp Genetics (formerly Invitae), Labcorp
Classification: Uncertain significance. Last evaluated: 2024-12-15. Review status: criteria provided, single submitter. Criteria: Invitae Variant Classification Sherloc (09022015). Collection method: clinical testing. Allele origin: germline.
Comment: This sequence change replaces isoleucine, which is neutral and non-polar, with threonine, which is neutral and polar, at codon 158 of the MAP3K8 protein (p.Ile158Thr). This variant is present in population databases (no rsID available, gnomAD 0.04%). This variant has not been reported in the literature in individuals affected with MAP3K8-related conditions. ClinVar contains an entry for this variant (Variation ID: 1925068). An algorithm developed to predict the effect of missense changes on protein structure and function (PolyPhen-2) suggests that this variant is likely to be tolerated. In summary, the available evidence is currently insufficient to determine the role of this variant in disease. Therefore, it has been classified as a Variant of Uncertain Significance.

NM_005204.4(MAP3K8):c.473T>C (p.Ile158Thr)

Gene: MAP3K8 (mitogen-activated protein kinase kinase kinase 8; plus strand). Cytogenetic location: 10p11.23.
Variant type: single nucleotide variant.
Coding change: c.473T>C on transcript NM_005204.4 (MANE Select); coding-DNA position 473, T replaced by C.
Protein change: p.Ile158Thr; replaces isoleucine 158 with threonine.
Molecular consequence: missense variant.
Genome position (GRCh38, 1-based): chr10:30,447,918, T>C. VCF-style: chr10-30447918-T-C. GRCh37 (hg19) VCF-style: chr10-30736847-T-C.
Other names: c.473T>C, p.Ile158Thr (NM_001244134.1, NM_001320961.2); short protein forms I158T.
Identifiers: ClinVar variation 1925068 (VCV001925068.5), dbSNP rs1177540087, ClinGen allele CA376437095.
Genomic context (GRCh38, chr10:30,447,918, plus strand): 5'-ATATTGGTTCTGATTTTATTCCTCGGGGCGCCTTTGGAAAGGTATACTTGGCACAAGATA[T>C]AAAGACGAAGAAAAGAATGGCGTGTAAACTGGTATGTGTTTTCTACCTAGATAACCCACA-3'
Protein context (NP_005195.2, residues 148-168): AFGKVYLAQD[Ile158Thr]KTKKRMACKL